The following is an entry in ClinVar:

ClinVar aggregate classification (germline): Likely benign. Review status: criteria provided, multiple submitters, no conflicts (2 of 4 stars). 2 submissions from 2 submitters: Likely benign (2). Last evaluated 2025-04-29.

Allele frequency attached by ClinVar (database versions not stated): gnomAD 0.00001.

Submissions (2):

Labcorp Genetics (formerly Invitae), Labcorp
Classification: Likely benign. Last evaluated: 2025-04-29. Review status: criteria provided, single submitter. Criteria: Invitae Variant Classification Sherloc (09022015). Collection method: clinical testing. Allele origin: germline.

CeGaT Center for Human Genetics Tuebingen
Classification: Likely benign. Last evaluated: 2022-11-01. Review status: criteria provided, single submitter. Criteria: CeGaT Center For Human Genetics Tuebingen Variant Classification Criteria Version 2. Collection method: clinical testing. Allele origin: germline. Affected: yes. Observed: 1 variant allele.
Comment: GRIN2D: BP4, BP7

NM_000836.4(GRIN2D):c.102G>A (p.Gly34=)

Gene: GRIN2D (glutamate ionotropic receptor NMDA type subunit 2D; plus strand). Cytogenetic location: 19q13.33.
Variant type: single nucleotide variant.
Coding change: c.102G>A on transcript NM_000836.4 (MANE Select); coding-DNA position 102, G replaced by A.
Protein change: p.Gly34=; no amino-acid change (glycine 34 retained).
Molecular consequence: synonymous variant.
Genome position (GRCh38, 1-based): chr19:48,398,494, G>A. VCF-style: chr19-48398494-G-A. GRCh37 (hg19) VCF-style: chr19-48901751-G-A.
Identifiers: ClinVar variation 1910655 (VCV001910655.29), dbSNP rs1970669648, ClinGen allele CA508037448.